The following is an entry in ClinVar:

NM_000969.5(RPL5):c.377C>T (p.Thr126Ile)

Genes: DIPK1A (divergent protein kinase domain 1A; minus strand), RPL5 (ribosomal protein L5; plus strand). Cytogenetic location: 1p22.1.
Variant type: single nucleotide variant.
Coding change: c.377C>T on transcript NM_000969.5 (MANE Select); coding-DNA position 377, C replaced by T.
Protein change: p.Thr126Ile; replaces threonine 126 with isoleucine.
Molecular consequence: missense variant. On other transcripts: non-coding transcript variant (1), intron variant (1).
Genome position (GRCh38, 1-based): chr1:92,836,242, C>T. VCF-style: chr1-92836242-C-T. GRCh37 (hg19) VCF-style: chr1-93301799-C-T.
Other names: c.475-3208G>A (NM_001252273.2); short protein forms T126I.
Identifiers: ClinVar variation 2148136 (VCV002148136.3), dbSNP rs1687119307, ClinGen allele CA341242016.

ClinVar aggregate classification (germline): Uncertain significance (1 of 4 stars; one submission).

Conditions:
Diamond-Blackfan anemia. Also called: Blackfan Diamond syndrome; Aregenerative anemia chronic congenital; Red cell aplasia, pure hereditary; Congenital hypoplastic anemia; Aase syndrome. Identifiers: Orphanet 124, MedGen C1260899, MeSH D029503, MONDO:0015253, HP:0004810.

Allele frequency attached by ClinVar (database versions not stated): TOPMed 0.00001.

Submission:

Labcorp Genetics (formerly Invitae), Labcorp
Classification: Uncertain significance for Diamond-Blackfan anemia. Last evaluated: 2023-03-12. Review status: criteria provided, single submitter. Criteria: Invitae Variant Classification Sherloc (09022015). Collection method: clinical testing. Allele origin: germline.
Comment: In summary, the available evidence is currently insufficient to determine the role of this variant in disease. Therefore, it has been classified as a Variant of Uncertain Significance. Advanced modeling of protein sequence and biophysical properties (such as structural, functional, and spatial information, amino acid conservation, physicochemical variation, residue mobility, and thermodynamic stability) performed at Invitae indicates that this missense variant is expected to disrupt RPL5 protein function. ClinVar contains an entry for this variant (Variation ID: 2148136). This variant has not been reported in the literature in individuals affected with RPL5-related conditions. This variant is not present in population databases (gnomAD no frequency). This sequence change replaces threonine, which is neutral and polar, with isoleucine, which is neutral and non-polar, at codon 126 of the RPL5 protein (p.Thr126Ile).